The following is an entry in ClinVar:

ClinVar aggregate classification (germline): Pathogenic (1 of 4 stars; one submission).

Conditions:
Majeed syndrome (MJDS). Also called: CHRONIC RECURRENT MULTIFOCAL OSTEOMYELITIS 1, WITH CONGENITAL DYSERYTHROPOIETIC ANEMIA, WITH OR WITHOUT NEUTROPHILIC DERMATOSIS; LPIN2-Related Majeed Syndrome. Identifiers: Orphanet 77297, MedGen C1864997, MONDO:0012316, OMIM 609628.

Submission:

Cytogenetics and Molecular Genetics Section, Pathology Unit, BARC Hospital, Bhabha Atomic Research Centre
Classification: Pathogenic for Majeed syndrome. Last evaluated: 2020-10-08. Review status: criteria provided, single submitter. Criteria: ACMG Guidelines, 2015. Collection method: clinical testing. Allele origin: germline. Inheritance: Autosomal recessive inheritance. Affected: yes. Observed: 1 variant allele, 1 homozygote.
Comment: LPIN2 gene has been implicated in the Majeed Syndrome earlier. The disease is a rare autosomal recessive disorder caused by mutations in LPIN2, the gene encoding the phosphatidic acid phosphatase LIPIN2. (Ferguson, P. J. et.al J. Med. Genet. 42: 551-557, 2005. [PubMed: 15994876]) LPIN2 deficiency is pro-inflammatory and enhances osteoclastogenesis.(F. Bhuyan et. al Arthritis Rheumatol. 2020 Dec 14. doi: 10.1002/art.41624. )

NM_001375808.2(LPIN2):c.696del (p.Thr233fs)

Gene: LPIN2 (lipin 2; minus strand). Cytogenetic location: 18p11.31.
Variant type: Deletion.
Coding change: c.696del on transcript NM_001375808.2 (MANE Select); coding-DNA position 696, one base deleted (G; older notation c.696delG).
Protein change: p.Thr233fs; shifts the reading frame from threonine 233.
Molecular consequence: frameshift variant.
Genome position (GRCh38, 1-based): chr18:2,940,607, C deleted on the plus strand (G on the coding strand, the reverse complement: LPIN2 is on the minus strand). VCF-style (leftmost placement, unchanged base first): chr18-2940606-TC-T. GRCh37 (hg19) VCF-style: chr18-2940604-TC-T.
Other names: c.696del, p.Thr233fs (NM_001375809.1, NM_014646.2); short protein forms T233fs.
Identifiers: ClinVar variation 1098839 (VCV001098839.6), dbSNP rs2144209550, ClinGen allele CA2499225103.